The following is an entry in ClinVar:

NC_000016.10:g.67660340del

Genes: ACD (ACD shelterin complex subunit and telomerase recruitment factor; minus strand), LOC130059224 (ATAC-STARR-seq lymphoblastoid silent region 7617; plus strand). Cytogenetic location: 16q22.1.
Variant type: Deletion.
Genome position: GRCh38 VCF-style: chr16-67660337-GC-G. GRCh37 (hg19) VCF-style: chr16-67694240-GC-G.
Identifiers: ClinVar variation 959520 (VCV000959520.9), dbSNP rs764120026, ClinGen allele CA8114894.

ClinVar aggregate classification (germline): Uncertain significance (1 of 4 stars; one submission).

Conditions:
Dyskeratosis congenita, autosomal dominant 6 (DKCA6). Identifiers: Orphanet 3322, MedGen C4225284, MONDO:0014690, OMIM 616553.

Submission:

Labcorp Genetics (formerly Invitae), Labcorp
Classification: Uncertain significance for Dyskeratosis congenita, autosomal dominant 6. Last evaluated: 2025-06-29. Review status: criteria provided, single submitter. Criteria: Invitae Variant Classification Sherloc (09022015). Collection method: clinical testing. Allele origin: germline.
Comment: This sequence change creates a premature translational stop signal (p.Arg48Glyfs*36) in the ACD gene. It is expected to result in an absent or disrupted protein product. However, the current clinical and genetic evidence is not sufficient to establish whether loss-of-function variants in ACD cause disease. This variant is present in population databases (rs764120026, gnomAD 0.03%). This variant has not been reported in the literature in individuals affected with ACD-related conditions. ClinVar contains an entry for this variant (Variation ID: 959520). In summary, the available evidence is currently insufficient to determine the role of this variant in disease. Therefore, it has been classified as a Variant of Uncertain Significance.